The following is an entry in ClinVar:

NM_005857.5(ZMPSTE24):c.95T>G (p.Leu32Arg)

Genes: ZMPSTE24 (zinc metallopeptidase STE24; plus strand), LOC129930253 (ATAC-STARR-seq lymphoblastoid active region 836; plus strand). Cytogenetic location: 1p34.2.
Variant type: single nucleotide variant.
Coding change: c.95T>G on transcript NM_005857.5 (MANE Select); coding-DNA position 95, T replaced by G.
Protein change: p.Leu32Arg; replaces leucine 32 with arginine.
Molecular consequence: missense variant.
Genome position (GRCh38, 1-based): chr1:40,258,366, T>G. VCF-style: chr1-40258366-T-G. GRCh37 (hg19) VCF-style: chr1-40724038-T-G.
Other names: short protein forms L32R.
Identifiers: ClinVar variation 2050422 (VCV002050422.4), dbSNP rs2522326391, ClinGen allele CA339863584.

ClinVar aggregate classification (germline): Uncertain significance (1 of 4 stars; one submission).

gnomAD v4.1: 2 of 1,614,146 alleles (0.00012%); highest among the groups gnomAD compares: Non-Finnish European, 0.00017%; no homozygotes.

Submission:

Labcorp Genetics (formerly Invitae), Labcorp
Classification: Uncertain significance. Last evaluated: 2021-12-20. Review status: criteria provided, single submitter. Criteria: Invitae Variant Classification Sherloc (09022015). Collection method: clinical testing. Allele origin: germline.
Comment: This variant has not been reported in the literature in individuals affected with ZMPSTE24-related conditions. This variant is not present in population databases (gnomAD no frequency). This sequence change replaces leucine, which is neutral and non-polar, with arginine, which is basic and polar, at codon 32 of the ZMPSTE24 protein (p.Leu32Arg). Algorithms developed to predict the effect of missense changes on protein structure and function are either unavailable or do not agree on the potential impact of this missense change (SIFT: "Not Available"; PolyPhen-2: "Possibly Damaging"; Align-GVGD: "Not Available"). In summary, the available evidence is currently insufficient to determine the role of this variant in disease. Therefore, it has been classified as a Variant of Uncertain Significance.